The following is an entry in ClinVar:

ClinVar aggregate classification (germline): Likely benign (1 of 4 stars; one submission).

Conditions:
Hypophosphatasia. Also called: Phosphoethanol-aminuria. Identifiers: Orphanet 436, MedGen C0020630, MeSH D007014, MONDO:0018570.

gnomAD v4.1: 9 of 1,613,266 alleles (0.00056%); highest among the groups gnomAD compares: Non-Finnish European, 0.00076%; no homozygotes.

Submission:

Genomenon, Inc
Classification: Likely benign for Hypophosphatasia. Last evaluated: 2025-08-29. Review status: criteria provided, single submitter. Criteria: Genomenon Sequence Variant Interpretation Standards. Collection method: curation. Allele origin: germline. Affected: yes.
Comment: ALPL c.216C>A is a synonymous (silent) variant that retains Isoleucine at residue 72. This variant has been observed in a proband affected with hypophosphatasia (PMID:36361766). It is absent or not present at a significant frequency in gnomAD. This synonymous variant is not predicted to impact splicing. In conclusion, we classify ALPL c.216C>A as a likely benign variant.

Literature cited by the submitters: PubMed 36361766.

NM_000478.6(ALPL):c.216C>A (p.Ile72=)

Gene: ALPL (alkaline phosphatase, biomineralization associated; plus strand). Cytogenetic location: 1p36.12.
Variant type: single nucleotide variant.
Coding change: c.216C>A on transcript NM_000478.6 (MANE Select); coding-DNA position 216, C replaced by A.
Protein change: p.Ile72=; no amino-acid change (isoleucine 72 retained).
Molecular consequence: synonymous variant. On other transcripts: intron variant (1).
Genome position (GRCh38, 1-based): chr1:21,561,131, C>A. VCF-style: chr1-21561131-C-A. GRCh37 (hg19) VCF-style: chr1-21887624-C-A.
Other names: c.51C>A, p.Ile17= (NM_001127501.4); c.216C>A, p.Ile72= (NM_001369803.2, NM_001369804.2, NM_001369805.2); c.66+386C>A (NM_001177520.3).
Identifiers: ClinVar variation 4086914 (VCV004086914.1).